The following is an entry in ClinVar:

NM_000444.6(PHEX):c.2225G>T (p.Gly742Val)

Genes: PHEX (phosphate regulating endopeptidase X-linked; plus strand), PTCHD1-AS (PTCHD1 and PHEX antisense RNA; minus strand). Cytogenetic location: Xp22.11.
Variant type: single nucleotide variant.
Coding change: c.2225G>T on transcript NM_000444.6 (MANE Select); coding-DNA position 2225, G replaced by T.
Protein change: p.Gly742Val; replaces glycine 742 with valine.
Molecular consequence: missense variant. On other transcripts: 3 prime UTR variant (1).
Genome position (GRCh38, 1-based): chrX:22,247,928, G>T. VCF-style: chrX-22247928-G-T. GRCh37 (hg19) VCF-style: chrX-22266045-G-T.
Other names: c.*60G>T (NM_001282754.2); short protein forms G742V.
Identifiers: ClinVar variation 4711388 (VCV004711388.1).

ClinVar aggregate classification (germline): Uncertain significance (1 of 4 stars; one submission).

gnomAD v4.1: 1 of 1,206,360 alleles (0.000083%); highest among the groups gnomAD compares: East Asian, 0.003%; no homozygotes.

Submission:

Labcorp Genetics (formerly Invitae), Labcorp
Classification: Uncertain significance. Last evaluated: 2025-07-31. Review status: criteria provided, single submitter. Criteria: Invitae Variant Classification Sherloc (09022015). Collection method: clinical testing. Allele origin: germline.
Comment: This sequence change replaces glycine, which is neutral and non-polar, with valine, which is neutral and non-polar, at codon 742 of the PHEX protein (p.Gly742Val). This variant is present in population databases (no rsID available, gnomAD 0.008%). This variant has not been reported in the literature in individuals affected with PHEX-related conditions. Invitae Evidence Modeling of protein sequence and biophysical properties (such as structural, functional, and spatial information, amino acid conservation, physicochemical variation, residue mobility, and thermodynamic stability) indicates that this missense variant is expected to disrupt PHEX protein function with a positive predictive value of 80%. In summary, the available evidence is currently insufficient to determine the role of this variant in disease. Therefore, it has been classified as a Variant of Uncertain Significance.